The following is an entry in ClinVar:

NM_000051.4(ATM):c.4618G>T (p.Asp1540Tyr)

Gene: ATM (ATM serine/threonine kinase; plus strand). Cytogenetic location: 11q22.3.
Variant type: single nucleotide variant.
Coding change: c.4618G>T on transcript NM_000051.4 (MANE Select); coding-DNA position 4618, G replaced by T.
Protein change: p.Asp1540Tyr; replaces aspartic acid 1540 with tyrosine.
Molecular consequence: missense variant.
Genome position (GRCh38, 1-based): chr11:108,293,319, G>T. VCF-style: chr11-108293319-G-T. GRCh37 (hg19) VCF-style: chr11-108164046-G-T.
Other names: c.4618G>T, p.Asp1540Tyr (NM_001351834.2); short protein forms D1540Y.
Identifiers: ClinVar variation 524281 (VCV000524281.15), dbSNP rs778622948, ClinGen allele CA6265520.

ClinVar aggregate classification (germline): Uncertain significance. Review status: criteria provided, multiple submitters, no conflicts (2 of 4 stars). 3 submissions from 3 submitters: Uncertain significance (2). 1 of the submissions does not count toward it. Last evaluated 2024-10-09.

Conditions:
Hereditary cancer-predisposing syndrome. Also called: Neoplastic Syndromes, Hereditary; Tumor predisposition; Hereditary Cancer Syndrome; Hereditary neoplastic syndrome. Identifiers: Orphanet 140162, MedGen C0027672, MeSH D009386, MONDO:0015356.
Ataxia-telangiectasia syndrome (AT). Also called: ATAXIA-TELANGIECTASIA, COMPLEMENTATION GROUP A; ATAXIA-TELANGIECTASIA, FRESNO VARIANT; Ataxia-telangiectasia; Ataxia-telangiectasia, complementation group D; AT, COMPLEMENTATION GROUP C; Ataxia-telangiectasia, complementation group E. Identifiers: Orphanet 100, MedGen C0004135, MONDO:0008840, OMIM 208900.

Allele frequency attached by ClinVar (database versions not stated): ExAC 0.00001; gnomAD exomes 0.00001; TOPMed below 0.00001.
gnomAD v4.1: 7 of 1,535,130 alleles (0.00046%); highest among the groups gnomAD compares: South Asian, 0.0083%; no homozygotes.

Submissions (3):

Labcorp Genetics (formerly Invitae), Labcorp
Classification: Uncertain significance for Ataxia-telangiectasia syndrome. Last evaluated: 2024-10-09. Review status: criteria provided, single submitter. Criteria: Invitae Variant Classification Sherloc (09022015). Collection method: clinical testing. Allele origin: germline.
Comment: This sequence change replaces aspartic acid, which is acidic and polar, with tyrosine, which is neutral and polar, at codon 1540 of the ATM protein (p.Asp1540Tyr). This variant is present in population databases (rs778622948, gnomAD 0.01%). This missense change has been observed in individual(s) with pancreatic ductal adenocarcinoma (PMID: 35171259). ClinVar contains an entry for this variant (Variation ID: 524281). Invitae Evidence Modeling of protein sequence and biophysical properties (such as structural, functional, and spatial information, amino acid conservation, physicochemical variation, residue mobility, and thermodynamic stability) indicates that this missense variant is not expected to disrupt ATM protein function with a negative predictive value of 95%. Algorithms developed to predict the effect of sequence changes on RNA splicing suggest that this variant may disrupt the consensus splice site. In summary, the available evidence is currently insufficient to determine the role of this variant in disease. Therefore, it has been classified as a Variant of Uncertain Significance.

Ambry Genetics
Classification: Uncertain significance for Hereditary cancer-predisposing syndrome. Last evaluated: 2022-10-12. Review status: criteria provided, single submitter. Criteria: Ambry Variant Classification Scheme 2023. Collection method: clinical testing. Allele origin: germline.
Comment: The p.D1540Y variant (also known as c.4618G>T), located in coding exon 30 of the ATM gene, results from a G to T substitution at nucleotide position 4618. The aspartic acid at codon 1540 is replaced by tyrosine, an amino acid with highly dissimilar properties. This amino acid position is conserved. In addition, this alteration is predicted to be tolerated by in silico analysis. Since supporting evidence is limited at this time, the clinical significance of this alteration remains unclear.

Natera, Inc.
Classification: Uncertain significance for Ataxia-telangiectasia. Last evaluated: 2019-10-28. Review status: no assertion criteria provided. Collection method: clinical testing. Allele origin: germline. Not counted in ClinVar's aggregate classification.

Literature cited by the submitters: PubMed 35171259 (cited by Labcorp Genetics (formerly Invitae), Labcorp).